The following is an entry in ClinVar:

ClinVar aggregate classification (germline): Uncertain significance. Review status: criteria provided, multiple submitters, no conflicts (2 of 4 stars). 3 submissions from 3 submitters: Uncertain significance (3). Last evaluated 2023-05-08.

Conditions:
Classic or attenuated familial adenomatous polyposis. Identifiers: MedGen CN372698, MONDO:0021057.
Hereditary cancer-predisposing syndrome. Also called: Tumor predisposition; Hereditary Cancer Syndrome; Hereditary neoplastic syndrome; Neoplastic Syndromes, Hereditary. Identifiers: Orphanet 140162, MedGen C0027672, MeSH D009386, MONDO:0015356.

Submissions (3):

All of Us Research Program, National Institutes of Health
Classification: Uncertain significance for Classic or attenuated familial adenomatous polyposis. Last evaluated: 2023-05-08. Review status: criteria provided, single submitter. Criteria: ACMG Guidelines, 2015. Collection method: clinical testing. Allele origin: germline. Inheritance: Autosomal dominant inheritance. Observed: 1 variant allele, 1 heterozygote.
Comment: This study involves interpretation of variants in research participants for the purpose of population health screening. Participant phenotype was not available at the time of variant classification. Additional details can be found in publication PMID: 35346344, PMCID: PMC8962531

Ambry Genetics
Classification: Uncertain significance for Hereditary cancer-predisposing syndrome. Last evaluated: 2021-02-19. Review status: criteria provided, single submitter. Criteria: Ambry Variant Classification Scheme 2023. Collection method: clinical testing. Allele origin: germline.
Comment: The p.P1381T variant (also known as c.4141C>A), located in coding exon 15 of the APC gene, results from a C to A substitution at nucleotide position 4141. The proline at codon 1381 is replaced by threonine, an amino acid with highly similar properties. This amino acid position is highly conserved in available vertebrate species. In addition, in silico predictors for this gene do not accurately predict pathogenicity. Since supporting evidence is limited at this time, the clinical significance of this alteration remains unclear.

GeneDx
Classification: Uncertain significance. Last evaluated: 2014-06-06. Review status: criteria provided, single submitter. Criteria: GeneDx Variant Classification (06012015). Collection method: clinical testing. Allele origin: germline. Affected: yes.
Comment: This variant is denoted APC c.4141C>A at the cDNA level, p.Pro1381Thr (P1381T) at the protein level, and results in the change of a Proline to a Threonine (CCA>ACA). This variant has not, to our knowledge, been published in the literature as pathogenic or benign. It is listed in the Universal Mutation Database as an unknown variant. APC Pro1381Thr was not observed in approximately 6,500 individuals of European and African American ancestry in the NHLBI Exome Sequencing Project, indicating it is not a common benign variant in these populations. Since Proline and Threonine differ in polarity, charge, size or other properties, this is considered a non-conservative amino acid substitution. APC Pro1381Thr occurs at a position that is well conserved across species and is located in within the 20-amino acid repeat beta-catenin down-regulating domain (Azzopardi 2008). In addition, in silico analyses are inconsistent regarding the effect this variant may have on protein structure and function. Based on currently available information, it is unclear whether APC Pro1381Thr is pathogenic or benign. We consider it to be a variant of uncertain significance.

NM_000038.6(APC):c.4141C>A (p.Pro1381Thr)

Gene: APC (APC regulator of Wnt signaling pathway; plus strand). Cytogenetic location: 5q22.2.
Variant type: single nucleotide variant.
Coding change: c.4141C>A on transcript NM_000038.6 (MANE Select); coding-DNA position 4141, C replaced by A.
Protein change: p.Pro1381Thr; replaces proline 1381 with threonine.
Molecular consequence: missense variant.
Genome position (GRCh38, 1-based): chr5:112,839,735, C>A. VCF-style: chr5-112839735-C-A. GRCh37 (hg19) VCF-style: chr5-112175432-C-A.
Other names: p.P1381T:CCA>ACA; c.4141C>A, p.Pro1381Thr (NM_001127510.3, NM_001354895.2); c.4087C>A, p.Pro1363Thr (NM_001127511.3); c.4195C>A, p.Pro1399Thr (NM_001354896.2); c.4171C>A, p.Pro1391Thr (NM_001354897.2); c.4066C>A, p.Pro1356Thr (NM_001354898.2); c.4057C>A, p.Pro1353Thr (NM_001354899.2); c.4018C>A, p.Pro1340Thr (NM_001354900.2); and 6 more; short protein forms P1363T, P1381T, P1098T, P1255T, P1280T, P1290T, P1353T, P1391T.
Identifiers: ClinVar variation 181806 (VCV000181806.5), dbSNP rs730881250, ClinGen allele CA008909.